The following is an entry in ClinVar:

NM_000552.5(VWF):c.1451A>T (p.His484Leu)

Gene: VWF (von Willebrand factor; minus strand). Cytogenetic location: 12p13.31.
Variant type: single nucleotide variant.
Coding change: c.1451A>T on transcript NM_000552.5 (MANE Select); coding-DNA position 1451, A replaced by T.
Protein change: p.His484Leu; replaces histidine 484 with leucine.
Molecular consequence: missense variant.
Genome position (GRCh38, 1-based): chr12:6,063,036, T>A on the plus strand (A>T on the coding strand, the complement: VWF is on the minus strand). VCF-style: chr12-6063036-T-A. GRCh37 (hg19) VCF-style: chr12-6172202-T-A.
Other names: short protein forms H484L.
Identifiers: ClinVar variation 3572153 (VCV003572153.1).

ClinVar aggregate classification (germline): Uncertain significance (1 of 4 stars; one submission).

gnomAD v4.1: 7 of 1,613,130 alleles (0.00043%); highest among the groups gnomAD compares: Middle Eastern, 0.049%; no homozygotes.

Submission:

Quest Diagnostics Nichols Institute San Juan Capistrano
Classification: Uncertain significance. Last evaluated: 2024-04-12. Review status: criteria provided, single submitter. Criteria: Quest Diagnostics criteria. Collection method: clinical testing. Allele origin: unknown.
Comment: The VWF c.1451A>T (p.His484Leu) variant has not been reported in individuals with VWF-related conditions in the published literature. The frequency of this variant in the general population, 0.000008 (2/249536 chromosomes (Genome Aggregation Database)), is uninformative in the assessment of its pathogenicity. Analysis of this variant using bioinformatics tools for the prediction of the effect of amino acid changes on protein structure and function yielded predictions that this variant is benign. Based on the available information, we are unable to determine the clinical significance of this variant.